The following is an entry in ClinVar:

ClinVar aggregate classification (germline): Uncertain significance (1 of 4 stars; one submission).

Allele frequency attached by ClinVar (database versions not stated): TOPMed below 0.00001; gnomAD 0.00001.
gnomAD v4.1: 1 of 1,614,102 alleles (0.000062%); highest among the groups gnomAD compares: Non-Finnish European, 0.000085%; no homozygotes.

Submission:

Ambry Genetics
Classification: Uncertain significance. Last evaluated: 2023-02-28. Review status: criteria provided, single submitter. Criteria: Ambry Variant Classification Scheme 2023. Collection method: clinical testing. Allele origin: germline.
Comment: The p.E1486Q variant (also known as c.4456G>C), located in coding exon 4 of the ALPK2 gene, results from a G to C substitution at nucleotide position 4456. The glutamic acid at codon 1486 is replaced by glutamine, an amino acid with highly similar properties. This amino acid position is conserved. In addition, this alteration is predicted to be tolerated by in silico analysis. Since supporting evidence is limited at this time, the clinical significance of this alteration remains unclear.

NM_052947.4(ALPK2):c.4456G>C (p.Glu1486Gln)

Genes: ALPK2 (alpha kinase 2; minus strand), LOC126862764 (BRD4-independent group 4 enhancer GRCh37_chr18:56202574-56203773; plus strand). Cytogenetic location: 18q21.31.
Variant type: single nucleotide variant.
Coding change: c.4456G>C on transcript NM_052947.4 (MANE Select); coding-DNA position 4456, G replaced by C.
Protein change: p.Glu1486Gln; replaces glutamic acid 1486 with glutamine.
Molecular consequence: missense variant.
Genome position (GRCh38, 1-based): chr18:58,535,731, C>G on the plus strand (G>C on the coding strand, the complement: ALPK2 is on the minus strand). VCF-style: chr18-58535731-C-G. GRCh37 (hg19) VCF-style: chr18-56202963-C-G.
Other names: short protein forms E1486Q.
Identifiers: ClinVar variation 2450891 (VCV002450891.2), dbSNP rs2051641758, ClinGen allele CA402562370.